The following is an entry in ClinVar:

NM_007294.4(BRCA1):c.4502G>A (p.Cys1501Tyr)

Gene: BRCA1 (BRCA1 DNA repair associated; minus strand). Cytogenetic location: 17q21.31.
Variant type: single nucleotide variant.
Coding change: c.4502G>A on transcript NM_007294.4 (MANE Select); coding-DNA position 4502, G replaced by A.
Protein change: p.Cys1501Tyr; replaces cysteine 1501 with tyrosine.
Molecular consequence: missense variant. On other transcripts: non-coding transcript variant (1).
Genome position (GRCh38, 1-based): chr17:43,074,504, C>T on the plus strand (G>A on the coding strand, the complement: BRCA1 is on the minus strand). VCF-style: chr17-43074504-C-T. GRCh37 (hg19) VCF-style: chr17-41226521-C-T.
Other names: c.4499G>A, p.Cys1500Tyr (NM_001407858.1, NM_001407859.1, NM_001407860.1 and 17 more transcripts); c.4496G>A, p.Cys1499Tyr (NM_001407861.1, NM_001407627.1, NM_001407628.1 and 14 more transcripts); c.4301G>A, p.Cys1434Tyr (NM_001407862.1); c.4376G>A, p.Cys1459Tyr (NM_001407863.1, NM_001407670.1, NM_001407671.1 and 11 more transcripts); c.4295G>A, p.Cys1432Tyr (NM_001407874.1, NM_001407875.1); c.4292G>A, p.Cys1431Tyr (NM_001407879.1, NM_001407881.1, NM_001407882.1 and 5 more transcripts); c.4289G>A, p.Cys1430Tyr (NM_001407896.1, NM_001407897.1, NM_001407898.1 and 12 more transcripts); c.4568G>A, p.Cys1523Tyr (NM_001407581.1, NM_001407582.1); and 68 more; short protein forms C1501Y, C397Y, C1522Y, C1454Y, C1332Y, C1389Y, C1390Y, C1432Y.
Identifiers: ClinVar variation 1044675 (VCV001044675.10), dbSNP rs1567778370, ClinGen allele CA10592523.

ClinVar aggregate classification (germline): Uncertain significance. Review status: criteria provided, multiple submitters, no conflicts (2 of 4 stars). 2 submissions from 2 submitters: Uncertain significance (2). Last evaluated 2021-07-14.

Conditions:
Hereditary cancer-predisposing syndrome. Also called: Hereditary Cancer Syndrome; Tumor predisposition; Hereditary neoplastic syndrome; Neoplastic Syndromes, Hereditary. Identifiers: Orphanet 140162, MedGen C0027672, MeSH D009386, MONDO:0015356.
Hereditary breast ovarian cancer syndrome. Also called: Hereditary breast and/or ovarian cancer syndrome; Hereditary breast and ovarian cancer syndrome; Hereditary breast and ovarian cancer syndrome (HBOC); Breast and ovarian cancer; Hereditary breast and ovarian cancer; BRCA1- and BRCA2-Associated Hereditary Breast and Ovarian Cancer. Identifiers: Orphanet 145, MedGen C0677776, MeSH D061325, MONDO:0003582. Disease mechanism: loss of function.

Submissions (2):

Sema4
Classification: Uncertain significance for Hereditary cancer-predisposing syndrome. Last evaluated: 2021-07-14. Review status: criteria provided, single submitter. Criteria: Sema4 Curation Guidelines. Collection method: curation. Allele origin: germline.
Comment: The BRCA1 c.4502G>A (p.C1501Y) variant has not been reported in the literature to our knowledge. This variant was not observed in the large and broad cohorts of the Genome Aggregation Database (PMID: 32461654). This variant has been reported in ClinVar (Variation ID 1044675). Functional studies have not been performed and in silico tool predictions of the variants effect on protein function are inconclusive. The overall evidence is insufficient to meet ACMG/AMP criteria for classifying it as benign or pathogenic. In summary, the clinical significance of this variant is currently uncertain.

Labcorp Genetics (formerly Invitae), Labcorp
Classification: Uncertain significance for Hereditary breast ovarian cancer syndrome. Last evaluated: 2021-06-19. Review status: criteria provided, single submitter. Criteria: Invitae Variant Classification Sherloc (09022015). Collection method: clinical testing. Allele origin: germline.
Comment: This variant has not been reported in the literature in individuals with BRCA1-related conditions. This variant is not present in population databases (ExAC no frequency). This sequence change replaces cysteine with tyrosine at codon 1501 of the BRCA1 protein (p.Cys1501Tyr). The cysteine residue is weakly conserved and there is a large physicochemical difference between cysteine and tyrosine. In summary, the available evidence is currently insufficient to determine the role of this variant in disease. Therefore, it has been classified as a Variant of Uncertain Significance. Algorithms developed to predict the effect of missense changes on protein structure and function (SIFT, PolyPhen-2, Align-GVGD) all suggest that this variant is likely to be tolerated, but these predictions have not been confirmed by published functional studies and their clinical significance is uncertain.